The following is an entry in ClinVar:

NM_024529.5(CDC73):c.788G>A (p.Arg263His)

Gene: CDC73 (cell division cycle 73; plus strand). Cytogenetic location: 1q31.2.
Variant type: single nucleotide variant.
Coding change: c.788G>A on transcript NM_024529.5 (MANE Select); coding-DNA position 788, G replaced by A.
Protein change: p.Arg263His; replaces arginine 263 with histidine.
Molecular consequence: missense variant.
Genome position (GRCh38, 1-based): chr1:193,147,925, G>A. VCF-style: chr1-193147925-G-A. GRCh37 (hg19) VCF-style: chr1-193117055-G-A.
Other names: short protein forms R263H.
Identifiers: ClinVar variation 859989 (VCV000859989.10), dbSNP rs1307745420, ClinGen allele CA343964060.

ClinVar aggregate classification (germline): Uncertain significance. Review status: criteria provided, multiple submitters, no conflicts (2 of 4 stars). 2 submissions from 2 submitters: Uncertain significance (2). Last evaluated 2025-10-14.

Conditions:
Hereditary cancer-predisposing syndrome. Also called: Tumor predisposition; Hereditary neoplastic syndrome; Neoplastic Syndromes, Hereditary; Hereditary Cancer Syndrome. Identifiers: Orphanet 140162, MedGen C0027672, MeSH D009386, MONDO:0015356.
Parathyroid carcinoma (PRTC). Also called: Parathyroid gland carcinoma; CDC73-Related Parathyroid Carcinoma. Identifiers: Orphanet 143, MedGen C0687150, MONDO:0012004, OMIM 608266, HP:0006780.

Allele frequency attached by ClinVar (database versions not stated): gnomAD 0.00001.

Submissions (2):

Labcorp Genetics (formerly Invitae), Labcorp
Classification: Uncertain significance for Parathyroid carcinoma. Last evaluated: 2025-10-14. Review status: criteria provided, single submitter. Criteria: Invitae Variant Classification Sherloc (09022015). Collection method: clinical testing. Allele origin: germline.
Comment: This sequence change replaces arginine, which is basic and polar, with histidine, which is basic and polar, at codon 263 of the CDC73 protein (p.Arg263His). This variant is not present in population databases (gnomAD no frequency). This variant has not been reported in the literature in individuals affected with CDC73-related conditions. ClinVar contains an entry for this variant (Variation ID: 859989). Invitae Evidence Modeling of protein sequence and biophysical properties (such as structural, functional, and spatial information, amino acid conservation, physicochemical variation, residue mobility, and thermodynamic stability) indicates that this missense variant is not expected to disrupt CDC73 protein function with a negative predictive value of 80%. In summary, the available evidence is currently insufficient to determine the role of this variant in disease. Therefore, it has been classified as a Variant of Uncertain Significance.

Ambry Genetics
Classification: Uncertain significance for Hereditary cancer-predisposing syndrome. Last evaluated: 2024-11-10. Review status: criteria provided, single submitter. Criteria: Ambry Variant Classification Scheme 2023. Collection method: clinical testing. Allele origin: germline.
Comment: The p.R263H variant (also known as c.788G>A), located in coding exon 8 of the CDC73 gene, results from a G to A substitution at nucleotide position 788. The arginine at codon 263 is replaced by histidine, an amino acid with highly similar properties. This amino acid position is conserved. In addition, this alteration is predicted to be tolerated by in silico analysis. Since supporting evidence is limited at this time, the clinical significance of this alteration remains unclear.